The following is an entry in ClinVar:

ClinVar aggregate classification (germline): Uncertain significance. Review status: criteria provided, multiple submitters, no conflicts (2 of 4 stars). 3 submissions from 3 submitters: Uncertain significance (3). Last evaluated 2026-06-30.

Conditions:
PGM1-related disorder. Also called: PGM1-related condition; PGM1-related disorders.
Inborn genetic diseases. Identifiers: MedGen C0950123, MeSH D030342.
PGM1-congenital disorder of glycosylation. Also called: GSD XIV; Congenital disorder of glycosylation type 1t; PHOSPHOGLUCOMUTASE 1 DEFICIENCY; PGM1 DEFICIENCY; GLYCOGEN STORAGE DISEASE XIV; CDG It. Identifiers: Orphanet 319646, MedGen C2752015, MONDO:0013968, OMIM 614921.

Allele frequency attached by ClinVar (database versions not stated): ExAC 0.00010; gnomAD exomes 0.00010 and 0.00012; gnomAD 0.00015 and 0.00018; TOPMed 0.00015; ESP Exome Variant Server 0.00023.
gnomAD v4.1: 191 of 1,613,668 alleles (0.012%); highest among the groups gnomAD compares: African/African-American, 0.049%; 1 homozygote.

Submissions (3):

PreventionGenetics, part of Exact Sciences
Classification: Uncertain significance for PGM1-related condition. Last evaluated: 2026-06-30. Review status: criteria provided, single submitter. Criteria: ACMG Guidelines, 2015. Collection method: clinical testing. Allele origin: germline.
Comment: The PGM1 c.371A>G variant is predicted to result in the amino acid substitution p.Asn124Ser. To our knowledge, this variant has not been reported in the literature. This variant is reported in 0.049% of alleles in individuals of African descent in gnomAD. Although we suspect that this variant may be benign, at this time, the clinical significance of this variant is uncertain due to the absence of conclusive functional and genetic evidence.

Ambry Genetics
Classification: Uncertain significance for Inborn genetic diseases. Last evaluated: 2024-12-03. Review status: criteria provided, single submitter. Criteria: Ambry Variant Classification Scheme 2023. Collection method: clinical testing. Allele origin: germline.

Labcorp Genetics (formerly Invitae), Labcorp
Classification: Uncertain significance for PGM1-congenital disorder of glycosylation. Last evaluated: 2022-11-02. Review status: criteria provided, single submitter. Criteria: Invitae Variant Classification Sherloc (09022015). Collection method: clinical testing. Allele origin: germline.
Comment: This sequence change replaces asparagine, which is neutral and polar, with serine, which is neutral and polar, at codon 124 of the PGM1 protein (p.Asn124Ser). This variant is present in population databases (rs367689770, gnomAD 0.05%). This variant has not been reported in the literature in individuals affected with PGM1-related conditions. ClinVar contains an entry for this variant (Variation ID: 1366950). Algorithms developed to predict the effect of missense changes on protein structure and function (SIFT, PolyPhen-2, Align-GVGD) all suggest that this variant is likely to be tolerated. In summary, the available evidence is currently insufficient to determine the role of this variant in disease. Therefore, it has been classified as a Variant of Uncertain Significance.

NM_002633.3(PGM1):c.371A>G (p.Asn124Ser)

Gene: PGM1 (phosphoglucomutase 1; plus strand). Cytogenetic location: 1p31.3.
Variant type: single nucleotide variant.
Coding change: c.371A>G on transcript NM_002633.3 (MANE Select); coding-DNA position 371, A replaced by G.
Protein change: p.Asn124Ser; replaces asparagine 124 with serine.
Molecular consequence: missense variant. On other transcripts: 5 prime UTR variant (1).
Genome position (GRCh38, 1-based): chr1:63,629,549, A>G. VCF-style: chr1-63629549-A-G. GRCh37 (hg19) VCF-style: chr1-64095220-A-G.
Other names: c.425A>G, p.Asn142Ser (NM_001172818.1); c.-221A>G (NM_001172819.2); c.371A>G (NM_002633.2); short protein forms N124S, N142S.
Identifiers: ClinVar variation 1366950 (VCV001366950.5), dbSNP rs367689770, ClinGen allele CA889517.
Genomic context (GRCh38, chr1:63,629,549, plus strand): 5'-GAAAAATCAAAGCCATTGGTGGGATCATTCTGACAGCCAGTCACAACCCAGGGGGCCCCA[A>G]TGGAGATTTTGGAATCAAATTCAATATTTCTAATGGAGGTGAGTTTGCTGTCATTTTGAG-3'
Protein context (NP_002624.2, residues 114-134): LTASHNPGGP[Asn124Ser]GDFGIKFNIS